The following is an entry in ClinVar:

NM_000168.6(GLI3):c.4642C>T (p.Pro1548Ser)

Gene: GLI3 (GLI family zinc finger 3; minus strand). Cytogenetic location: 7p14.1.
Variant type: single nucleotide variant.
Coding change: c.4642C>T on transcript NM_000168.6 (MANE Select); coding-DNA position 4642, C replaced by T.
Protein change: p.Pro1548Ser; replaces proline 1548 with serine.
Molecular consequence: missense variant.
Genome position (GRCh38, 1-based): chr7:41,964,431, G>A on the plus strand (C>T on the coding strand, the complement: GLI3 is on the minus strand). VCF-style: chr7-41964431-G-A. GRCh37 (hg19) VCF-style: chr7-42004029-G-A.
Other names: short protein forms P1548S.
Identifiers: ClinVar variation 1709515 (VCV001709515.2), dbSNP rs2484361448, ClinGen allele CA367314606.

ClinVar aggregate classification (germline): Uncertain significance (1 of 4 stars; one submission).

Conditions:
Pallister-Hall syndrome (PHS). Also called: HYPOTHALAMIC HAMARTOBLASTOMA, HYPOPITUITARISM, IMPERFORATE ANUS, AND POSTAXIAL POLYDACTYLY; GLI3-Related Pallister-Hall Syndrome. Identifiers: Orphanet 672, MedGen C0265220, MONDO:0007804, OMIM 146510.

Submission:

MGZ Medical Genetics Center
Classification: Uncertain significance for Pallister-Hall syndrome. Last evaluated: 2022-06-20. Review status: criteria provided, single submitter. Criteria: ACMG Guidelines, 2015. Collection method: clinical testing. Allele origin: germline. Affected: yes. Observed: 1 variant allele.
Comment: ACMG criteria applied: PM2_SUP